The following is an entry in ClinVar:

ClinVar aggregate classification (germline): Pathogenic/Likely pathogenic. Review status: criteria provided, multiple submitters, no conflicts (2 of 4 stars). 3 submissions from 3 submitters: Pathogenic (2); Likely pathogenic (1). Last evaluated 2024-01-22.

Conditions:
Nonsyndromic genetic hearing loss. Also called: Non-syndromic genetic deafness; Nonsyndromic hearing loss and deafness; Nonsyndromic genetic deafness. Identifiers: Orphanet 87884, MedGen C5680182, MONDO:0019497.

Allele frequency attached by ClinVar (database versions not stated): gnomAD exomes 0.00001 and below 0.00001; ExAC 0.00001.
gnomAD v4.1: 4 of 1,613,930 alleles (0.00025%); highest among the groups gnomAD compares: South Asian, 0.0044%; no homozygotes.

Submissions (3):

Labcorp Genetics (formerly Invitae), Labcorp
Classification: Pathogenic. Last evaluated: 2024-01-22. Review status: criteria provided, single submitter. Criteria: Invitae Variant Classification Sherloc (09022015). Collection method: clinical testing. Allele origin: germline.
Comment: This sequence change replaces isoleucine, which is neutral and non-polar, with serine, which is neutral and polar, at codon 35 of the GJB2 protein (p.Ile35Ser). This variant is present in population databases (rs756467247, gnomAD 0.006%). This missense change has been observed in individual(s) with autosomal recessive non-syndromic deafness (PMID: 11587277, 24840842). In at least one individual the data is consistent with being in trans (on the opposite chromosome) from a pathogenic variant. ClinVar contains an entry for this variant (Variation ID: 1185804). Advanced modeling of protein sequence and biophysical properties (such as structural, functional, and spatial information, amino acid conservation, physicochemical variation, residue mobility, and thermodynamic stability) performed at Invitae indicates that this missense variant is expected to disrupt GJB2 protein function with a positive predictive value of 95%. Experimental studies have shown that this missense change affects GJB2 function (PMID: 18941476). For these reasons, this variant has been classified as Pathogenic.

Women's Health and Genetics/Laboratory Corporation of America, LabCorp
Classification: Pathogenic for Nonsyndromic genetic hearing loss. Last evaluated: 2023-08-29. Review status: criteria provided, single submitter. Criteria: LabCorp Variant Classification Summary - May 2015. Collection method: clinical testing. Allele origin: germline.
Comment: Variant summary: GJB2 c.104T>G (p.Ile35Ser) results in a non-conservative amino acid change located in the Connexin, N-terminal (IPR013092) of the encoded protein sequence. Five of five in-silico tools predict a damaging effect of the variant on protein function. The variant allele was found at a frequency of 8e-06 in 250806 control chromosomes. c.104T>G has been reported in the literature in multiple individuals affected with Non-Syndromic Hearing Loss (e.g. Mani_2009, Dahl_2001, Bukhari_2013). These data indicate that the variant is very likely to be associated with disease. At least one publication reports experimental evidence evaluating an impact on protein function demonstrated that this variant results in impaired trafficking to the plasma membrane (Mani_2009). The following publications have been ascertained in the context of this evaluation (PMID: 23504403, 11587277, 18941476, 17666888). Two submitters have cited clinical-significance assessments for this variant to ClinVar after 2014. All submitters classified the variant as pathogenic/likely pathogenic. Based on the evidence outlined above, the variant was classified as pathogenic.

GeneDx
Classification: Likely pathogenic. Last evaluated: 2020-12-07. Review status: criteria provided, single submitter. Criteria: GeneDx Variant Classification Process June 2021. Collection method: clinical testing. Allele origin: germline. Affected: yes.
Comment: Not observed at a significant frequency in large population cohorts (Lek et al., 2016); This variant is associated with the following publications: (PMID: 26186295, 11587277, 23504403, 16380907, 18941476, 29921236, 24840842, 25388846)

Literature cited by the submitters: PubMed 11587277 (cited by Labcorp Genetics (formerly Invitae), Labcorp and Women's Health and Genetics/Laboratory Corporation of America, LabCorp); PubMed 24840842 (cited by Labcorp Genetics (formerly Invitae), Labcorp); PubMed 18941476 (cited by Labcorp Genetics (formerly Invitae), Labcorp and Women's Health and Genetics/Laboratory Corporation of America, LabCorp); PubMed 17666888 (cited by Women's Health and Genetics/Laboratory Corporation of America, LabCorp); PubMed 23504403 (cited by Women's Health and Genetics/Laboratory Corporation of America, LabCorp).

NM_004004.6(GJB2):c.104T>G (p.Ile35Ser)

Gene: GJB2 (gap junction protein beta 2; minus strand). Cytogenetic location: 13q12.11.
Variant type: single nucleotide variant.
Coding change: c.104T>G on transcript NM_004004.6 (MANE Select); coding-DNA position 104, T replaced by G.
Protein change: p.Ile35Ser; replaces isoleucine 35 with serine.
Molecular consequence: missense variant.
Genome position (GRCh38, 1-based): chr13:20,189,478, A>C on the plus strand (T>G on the coding strand, the complement: GJB2 is on the minus strand). VCF-style: chr13-20189478-A-C. GRCh37 (hg19) VCF-style: chr13-20763617-A-C.
Other names: short protein forms I35S.
Identifiers: ClinVar variation 1185804 (VCV001185804.11), dbSNP rs756467247, ClinGen allele CA6904320.